The following is an entry in ClinVar:

NM_005450.6(NOG):c.683G>T (p.Cys228Phe)

Gene: NOG (noggin; plus strand). Cytogenetic location: 17q22.
Variant type: single nucleotide variant.
Coding change: c.683G>T on transcript NM_005450.6 (MANE Select); coding-DNA position 683, G replaced by T.
Protein change: p.Cys228Phe; replaces cysteine 228 with phenylalanine.
Molecular consequence: missense variant.
Genome position (GRCh38, 1-based): chr17:56,594,906, G>T. VCF-style: chr17-56594906-G-T. GRCh37 (hg19) VCF-style: chr17-54672267-G-T.
Other names: short protein forms C228F.
Identifiers: ClinVar variation 2007676 (VCV002007676.4), dbSNP rs2545137982, ClinGen allele CA399966953.
Genomic context (GRCh38, chr17:56,594,906, plus strand): 5'-AGCGGCGCGGGGGCCAGCGCTGCGGCTGGATTCCCATCCAGTACCCCATCATTTCCGAGT[G>T]CAAGTGCTCGTGCTAGAACTCGGGGGCCCCCTGCCCGCACCCGGACACTTGATCGATCCC-3'
Protein context (NP_005441.1, residues 218-232): IPIQYPIISE[Cys228Phe]KCSC

ClinVar aggregate classification (germline): Uncertain significance (1 of 4 stars; one submission).

Submission:

Labcorp Genetics (formerly Invitae), Labcorp
Classification: Uncertain significance. Last evaluated: 2022-06-17. Review status: criteria provided, single submitter. Criteria: Invitae Variant Classification Sherloc (09022015). Collection method: clinical testing. Allele origin: germline.
Comment: In summary, the available evidence is currently insufficient to determine the role of this variant in disease. Therefore, it has been classified as a Variant of Uncertain Significance. This variant disrupts the p.Cys228 amino acid residue in NOG. Other variant(s) that disrupt this residue have been observed in individuals with NOG-related conditions (PMID: 25391606, 26211601), which suggests that this may be a clinically significant amino acid residue. Algorithms developed to predict the effect of missense changes on protein structure and function (SIFT, PolyPhen-2, Align-GVGD) all suggest that this variant is likely to be disruptive. This variant has not been reported in the literature in individuals affected with NOG-related conditions. This variant is not present in population databases (gnomAD no frequency). This sequence change replaces cysteine, which is neutral and slightly polar, with phenylalanine, which is neutral and non-polar, at codon 228 of the NOG protein (p.Cys228Phe).

Literature cited by the submitters: PubMed 25391606; PubMed 26211601.